The following is an entry in ClinVar:

ClinVar aggregate classification (germline): Uncertain significance (1 of 4 stars; one submission).

Conditions:
Hereditary cancer-predisposing syndrome. Also called: Hereditary Cancer Syndrome; Hereditary neoplastic syndrome; Neoplastic Syndromes, Hereditary; Tumor predisposition. Identifiers: Orphanet 140162, MedGen C0027672, MeSH D009386, MONDO:0015356.

Submission:

Ambry Genetics
Classification: Uncertain significance for Hereditary cancer-predisposing syndrome. Last evaluated: 2025-01-01. Review status: criteria provided, single submitter. Criteria: Ambry Variant Classification Scheme 2023. Collection method: clinical testing. Allele origin: germline.
Comment: The p.S466I variant (also known as c.1397G>T), located in coding exon 9 of the MSH3 gene, results from a G to T substitution at nucleotide position 1397. The serine at codon 466 is replaced by isoleucine, an amino acid with dissimilar properties. This amino acid position is conserved. In addition, the in silico prediction for this alteration is inconclusive. Since supporting evidence is limited at this time, the clinical significance of this alteration remains unclear.

NM_002439.5(MSH3):c.1397G>T (p.Ser466Ile)

Gene: MSH3 (mutS homolog 3; plus strand). Cytogenetic location: 5q14.1.
Variant type: single nucleotide variant.
Coding change: c.1397G>T on transcript NM_002439.5 (MANE Select); coding-DNA position 1397, G replaced by T.
Protein change: p.Ser466Ile; replaces serine 466 with isoleucine.
Molecular consequence: missense variant.
Genome position (GRCh38, 1-based): chr5:80,725,509, G>T. VCF-style: chr5-80725509-G-T. GRCh37 (hg19) VCF-style: chr5-80021328-G-T.
Other names: short protein forms S466I.
Identifiers: ClinVar variation 1771662 (VCV001771662.3), dbSNP rs1743271448, ClinGen allele CA360273506.